The following is an entry in ClinVar:

ClinVar aggregate classification (germline): Pathogenic (1 of 4 stars; one submission).

Conditions:
Rubinstein-Taybi syndrome (RSTS). Identifiers: Orphanet 783, MedGen C0035934, MONDO:0019188.

Submission:

Labcorp Genetics (formerly Invitae), Labcorp
Classification: Pathogenic for Rubinstein-Taybi syndrome. Last evaluated: 2023-09-03. Review status: criteria provided, single submitter. Criteria: Invitae Variant Classification Sherloc (09022015). Collection method: clinical testing. Allele origin: germline.
Comment: For these reasons, this variant has been classified as Pathogenic. This variant has not been reported in the literature in individuals affected with CREBBP-related conditions. This variant is not present in population databases (gnomAD no frequency). This sequence change creates a premature translational stop signal (p.Thr538Asnfs*33) in the CREBBP gene. It is expected to result in an absent or disrupted protein product. Loss-of-function variants in CREBBP are known to be pathogenic (PMID: 17052327, 18792986).

Literature cited by the submitters: PubMed 17052327; PubMed 18792986.

NM_004380.3(CREBBP):c.1612dup (p.Thr538fs)

Gene: CREBBP (CREB binding lysine acetyltransferase; minus strand). Cytogenetic location: 16p13.3.
Variant type: Duplication.
Coding change: c.1612dup on transcript NM_004380.3 (MANE Select); coding-DNA position 1612, one base duplicated (A; older notation c.1612dupA).
Protein change: p.Thr538fs; shifts the reading frame from threonine 538.
Molecular consequence: frameshift variant.
Genome position (GRCh38, 1-based): chr16:3,781,268, T duplicated on the plus strand (A on the coding strand, the reverse complement: CREBBP is on the minus strand); the first of 2 consecutive T bases (chr16:3,781,268-3,781,269); duplicating either gives the same sequence. VCF-style (leftmost placement, unchanged base first): chr16-3781267-G-GT. GRCh37 (hg19) VCF-style: chr16-3831268-G-GT.
Other names: c.1498dup, p.Thr500fs (NM_001079846.1); short protein forms T500fs, T538fs.
Identifiers: ClinVar variation 2757556 (VCV002757556.3), dbSNP rs2548440455, ClinGen allele CA2697549655.
Genomic context (GRCh38, chr16:3,781,267, plus strand): 5'-GTGGCCCCCAGGGAAGTCGGAAGAGCTGATTCTGAAATCAAGTTTGGGGGCTGCTGATCT[G>GT]TTGTTATTCCTCCTGCTGGAATGTTCATTGGATTATTTCCTTTAAAGACAGAAAAGAAAT-3'